The following is an entry in ClinVar:

NM_000256.3(MYBPC3):c.1812C>T (p.Asp604=)

Gene: MYBPC3 (myosin binding protein C3; minus strand). Cytogenetic location: 11p11.2.
Variant type: single nucleotide variant.
Coding change: c.1812C>T on transcript NM_000256.3 (MANE Select); coding-DNA position 1812, C replaced by T.
Protein change: p.Asp604=; no amino-acid change (aspartic acid 604 retained).
Molecular consequence: synonymous variant.
Genome position (GRCh38, 1-based): chr11:47,341,223, G>A on the plus strand (C>T on the coding strand, the complement: MYBPC3 is on the minus strand). VCF-style: chr11-47341223-G-A. GRCh37 (hg19) VCF-style: chr11-47362774-G-A.
Identifiers: ClinVar variation 42571 (VCV000042571.33), dbSNP rs397515929, ClinGen allele CA011214.

ClinVar aggregate classification (germline): Benign/Likely benign. Review status: criteria provided, multiple submitters, no conflicts (2 of 4 stars). 11 submissions from 11 submitters: Benign (5); Likely benign (4). 2 of the submissions do not count toward it. Last evaluated 2026-01-28.

Conditions:
Cardiovascular phenotype. Identifiers: MedGen CN230736.
Cardiomyopathy (CMYO). Also called: Cardiomyopathies. Identifiers: Orphanet 167848, MedGen C0878544, MONDO:0004994, HP:0001638. Inheritance: Various modes of inheritance.
Hypertrophic cardiomyopathy. Also called: HYPERTROPHIC MYOCARDIOPATHY. Identifiers: Orphanet 217569, MedGen C0007194, MeSH D002312, MONDO:0005045, HP:0001639.

Allele frequency attached by ClinVar (database versions not stated): gnomAD 0.00002 and 0.00031; TOPMed 0.00006; gnomAD exomes 0.00042 and 0.00078; ExAC 0.00150; 1000 Genomes Project 30x 0.00156; 1000 Genomes Project 0.00160.
gnomAD v4.1: 649 of 1,592,778 alleles (0.041%); highest among the groups gnomAD compares: South Asian, 0.67%; 11 homozygotes.

Submissions (11):

Labcorp Genetics (formerly Invitae), Labcorp
Classification: Benign for Hypertrophic cardiomyopathy. Last evaluated: 2026-01-28. Review status: criteria provided, single submitter. Criteria: Invitae Variant Classification Sherloc (09022015). Collection method: clinical testing. Allele origin: germline.

Blueprint Genetics
Classification: Likely benign. Last evaluated: 2024-11-21. Review status: criteria provided, single submitter. Criteria: ACMG Guidelines, 2015. Collection method: clinical testing. Allele origin: germline.

All of Us Research Program, National Institutes of Health
Classification: Benign for Hypertrophic cardiomyopathy. Last evaluated: 2024-01-11. Review status: criteria provided, single submitter. Criteria: ACMG Guidelines, 2015. Collection method: clinical testing. Allele origin: germline. Inheritance: Autosomal dominant inheritance. Observed: 37 variant alleles, 37 heterozygotes.
Comment: This study involves interpretation of variants in research participants for the purpose of population health screening. Participant phenotype was not available at the time of variant classification. Additional details can be found in publication PMID: 35346344, PMCID: PMC8962531

CHEO Genetics Diagnostic Laboratory, Children's Hospital of Eastern Ontario
Classification: Benign for Cardiomyopathy. Last evaluated: 2022-08-25. Review status: criteria provided, single submitter. Criteria: ACMG Guidelines, 2015. Collection method: clinical testing. Allele origin: germline.

Women's Health and Genetics/Laboratory Corporation of America, LabCorp
Classification: Likely benign. Last evaluated: 2021-02-01. Review status: criteria provided, single submitter. Criteria: LabCorp Variant Classification Summary - May 2015. Collection method: clinical testing. Allele origin: germline.

Color Diagnostics, LLC DBA Color Health
Classification: Benign for Cardiomyopathy. Last evaluated: 2018-07-15. Review status: criteria provided, single submitter. Criteria: ACMG Guidelines, 2015. Collection method: clinical testing. Allele origin: germline.

Ambry Genetics
Classification: Likely benign for Cardiovascular phenotype. Last evaluated: 2016-09-02. Review status: criteria provided, single submitter. Criteria: Ambry Variant Classification Scheme 2023. Collection method: clinical testing. Allele origin: germline.

GeneDx
Classification: Benign. Last evaluated: 2015-04-09. Review status: criteria provided, single submitter. Criteria: GeneDx Variant Classification (06012015). Collection method: clinical testing. Allele origin: germline. Affected: yes.
Comment: This variant is considered likely benign or benign based on one or more of the following criteria: it is a conservative change, it occurs at a poorly conserved position in the protein, it is predicted to be benign by multiple in silico algorithms, and/or has population frequency not consistent with disease.

Laboratory for Molecular Medicine, Mass General Brigham Personalized Medicine
Classification: Likely benign. Last evaluated: 2012-11-20. Review status: criteria provided, single submitter. Criteria: LMM Criteria. Collection method: clinical testing. Allele origin: germline. Observed: 2 variant alleles.
Comment: Asp604Asp in exon 19 of MYBPC3: This variant is not expected to have clinical si gnificance because it does not alter an amino acid residue and is not located wi thin the splice consensus sequence. Asp604Asp in exon 19 of MYBPC3 (allele freq uency = n/a)

Clinical Genetics DNA and cytogenetics Diagnostics Lab, Erasmus MC, Erasmus Medical Center
Classification: Likely benign. Review status: no assertion criteria provided. Collection method: clinical testing. Allele origin: germline. Affected: yes. Study: VKGL Data-share Consensus. Not counted in ClinVar's aggregate classification.

Clinical Genetics, Academic Medical Center
Classification: Benign. Review status: no assertion criteria provided. Collection method: clinical testing. Allele origin: germline. Affected: yes. Study: VKGL Data-share Consensus. Not counted in ClinVar's aggregate classification.